The following is an entry in ClinVar:

NM_019032.6(ADAMTSL4):c.2041G>C (p.Gly681Arg)

Genes: ADAMTSL4 (ADAMTS like 4; plus strand), ADAMTSL4-AS2 (ADAMTSL4 antisense RNA 2; minus strand). Cytogenetic location: 1q21.2.
Variant type: single nucleotide variant.
Coding change: c.2041G>C on transcript NM_019032.6 (MANE Select); coding-DNA position 2041, G replaced by C.
Protein change: p.Gly681Arg; replaces glycine 681 with arginine.
Molecular consequence: missense variant.
Genome position (GRCh38, 1-based): chr1:150,557,329, G>C. VCF-style: chr1-150557329-G-C. GRCh37 (hg19) VCF-style: chr1-150529805-G-C.
Other names: c.1924G>C, p.Gly642Arg (NM_001288607.2); c.2110G>C, p.Gly704Arg (NM_001288608.2); c.2041G>C, p.Gly681Arg (NM_001378596.1, NM_025008.5); short protein forms G642R, G681R, G704R.
Identifiers: ClinVar variation 1993599 (VCV001993599.4), dbSNP rs371872840, ClinGen allele CA342313882.

ClinVar aggregate classification (germline): Uncertain significance (1 of 4 stars; one submission).

gnomAD v4.1: 1 of 1,610,312 alleles (0.000062%); highest among the groups gnomAD compares: Non-Finnish European, 0.000085%; no homozygotes.

Submission:

Labcorp Genetics (formerly Invitae), Labcorp
Classification: Uncertain significance. Last evaluated: 2022-05-12. Review status: criteria provided, single submitter. Criteria: Invitae Variant Classification Sherloc (09022015). Collection method: clinical testing. Allele origin: germline.
Comment: This variant is not present in population databases (gnomAD no frequency). This sequence change replaces glycine, which is neutral and non-polar, with arginine, which is basic and polar, at codon 681 of the ADAMTSL4 protein (p.Gly681Arg). In summary, the available evidence is currently insufficient to determine the role of this variant in disease. Therefore, it has been classified as a Variant of Uncertain Significance. Algorithms developed to predict the effect of missense changes on protein structure and function (SIFT, PolyPhen-2, Align-GVGD) all suggest that this variant is likely to be disruptive. This variant has not been reported in the literature in individuals affected with ADAMTSL4-related conditions.